The following is an entry in ClinVar:

ClinVar aggregate classification (germline): Uncertain significance (1 of 4 stars; one submission).

Conditions:
Inborn genetic diseases. Identifiers: MedGen C0950123, MeSH D030342.

Submission:

Ambry Genetics
Classification: Uncertain significance for Inborn genetic diseases. Last evaluated: 2025-02-19. Review status: criteria provided, single submitter. Criteria: Ambry Variant Classification Scheme 2023. Collection method: clinical testing. Allele origin: germline.
Comment: The p.K63E variant (also known as c.187A>G), located in coding exon 1 of the KDM1A gene, results from an A to G substitution at nucleotide position 187. The lysine at codon 63 is replaced by glutamic acid, an amino acid with similar properties. This amino acid position is conserved. In addition, this alteration is predicted to be tolerated by in silico analysis. Based on the available evidence, the clinical significance of this variant remains unclear.

NM_001009999.3(KDM1A):c.187A>G (p.Lys63Glu)

Gene: KDM1A (lysine demethylase 1A; plus strand). Cytogenetic location: 1p36.12.
Variant type: single nucleotide variant.
Coding change: c.187A>G on transcript NM_001009999.3 (MANE Select); coding-DNA position 187, A replaced by G.
Protein change: p.Lys63Glu; replaces lysine 63 with glutamic acid.
Molecular consequence: missense variant.
Genome position (GRCh38, 1-based): chr1:23,019,783, A>G. VCF-style: chr1-23019783-A-G. GRCh37 (hg19) VCF-style: chr1-23346276-A-G.
Other names: c.187A>G, p.Lys63Glu (NM_001363654.2, NM_001410762.1, NM_001410763.1 and 1 more transcripts); short protein forms K63E.
Identifiers: ClinVar variation 3863335 (VCV003863335.1).
Genomic context (GRCh38, chr1:23,019,783, plus strand): 5'-GGCCTGTCGGGCCCAGCCGAGGTCGGGCCGGGGGCGGTGGGGGAGCGCACACCCCGCAAG[A>G]AAGAGCCTCCGCGGGCCTCGCCCCCCGGGGGCCTGGCGGAACCGCCGGGGTCCGCAGGGC-3'
Protein context (NP_001009999.1, residues 53-73): GAVGERTPRK[Lys63Glu]EPPRASPPGG